The following is an entry in ClinVar:

NM_001394998.1(TANC2):c.3727C>G (p.Pro1243Ala)

Genes: TANC2 (tetratricopeptide repeat, ankyrin repeat and coiled-coil containing 2; plus strand), LOC105371856 (uncharacterized LOC105371856; minus strand). Cytogenetic location: 17q23.3.
Variant type: single nucleotide variant.
Coding change: c.3727C>G on transcript NM_001394998.1 (MANE Select); coding-DNA position 3727, C replaced by G.
Protein change: p.Pro1243Ala; replaces proline 1243 with alanine.
Molecular consequence: missense variant.
Genome position (GRCh38, 1-based): chr17:63,411,648, C>G. VCF-style: chr17-63411648-C-G. GRCh37 (hg19) VCF-style: chr17-61489009-C-G.
Other names: c.3505C>G, p.Pro1169Ala (NM_025185.4); short protein forms P1169A, P1243A.
Identifiers: ClinVar variation 1344962 (VCV001344962.8), dbSNP rs1400120288, ClinGen allele CA400536414.

ClinVar aggregate classification (germline): Uncertain significance. Review status: criteria provided, multiple submitters, no conflicts (2 of 4 stars). 2 submissions from 2 submitters: Uncertain significance (2). Last evaluated 2024-11-15.

Conditions:
Inborn genetic diseases. Identifiers: MedGen C0950123, MeSH D030342.

Allele frequency attached by ClinVar (database versions not stated): gnomAD 0.00001; TOPMed 0.00001.
gnomAD v4.1: 2 of 1,613,650 alleles (0.00012%); highest among the groups gnomAD compares: Non-Finnish European, 0.00017%; no homozygotes.

Submissions (2):

GeneDx
Classification: Uncertain significance. Last evaluated: 2024-11-15. Review status: criteria provided, single submitter. Criteria: GeneDx Variant Classification Process June 2021. Collection method: clinical testing. Allele origin: germline. Affected: yes.
Comment: Not observed at significant frequency in large population cohorts (gnomAD); In silico analysis supports that this missense variant has a deleterious effect on protein structure/function; Has not been previously published as pathogenic or benign to our knowledge

Ambry Genetics
Classification: Uncertain significance for Inborn genetic diseases. Last evaluated: 2021-07-13. Review status: criteria provided, single submitter. Criteria: Ambry Variant Classification Scheme 2023. Collection method: clinical testing. Allele origin: germline.